The following is an entry in ClinVar:

NM_019016.3(KRT24):c.555C>T (p.Asp185=)

Gene: KRT24 (keratin 24; minus strand). Cytogenetic location: 17q21.2.
Variant type: single nucleotide variant.
Coding change: c.555C>T on transcript NM_019016.3 (MANE Select); coding-DNA position 555, C replaced by T.
Protein change: p.Asp185=; no amino-acid change (aspartic acid 185 retained).
Molecular consequence: synonymous variant.
Genome position (GRCh38, 1-based): chr17:40,703,139, G>A on the plus strand (C>T on the coding strand, the complement: KRT24 is on the minus strand). VCF-style: chr17-40703139-G-A. GRCh37 (hg19) VCF-style: chr17-38859391-G-A.
Identifiers: ClinVar variation 3234144 (VCV003234144.20), dbSNP rs151230169, ClinGen allele CA8545971.
Genomic context (GRCh38, chr17:40,703,139, plus strand): 5'-CTGGTTTCTGAGATCTTCAATTATTGAATAGTATTTGCTATAATCTCTTCCCGATCCACC[G>A]TCTCCAGACCCAGGCCCATATTTGTCATACCACTCCTTGATTTTGTTCTCCAGATCAGTG-3'
Protein context (NP_061889.2, residues 175-195): WYDKYGPGSG[Asp185=]GGSGRDYSKY

ClinVar aggregate classification (germline): Likely benign (1 of 4 stars; one submission).

Allele frequency attached by ClinVar (database versions not stated): ESP Exome Variant Server 0.00338; gnomAD 0.00340; TOPMed 0.00382; gnomAD exomes 0.00579; 1000 Genomes Project 0.00200; 1000 Genomes Project 30x 0.00219; ExAC 0.00265.

Submission:

CeGaT Center for Human Genetics Tuebingen
Classification: Likely benign. Last evaluated: 2024-04-01. Review status: criteria provided, single submitter. Criteria: CeGaT Center For Human Genetics Tuebingen Variant Classification Criteria Version 2. Collection method: clinical testing. Allele origin: germline. Affected: yes. Observed: 1 variant allele.
Comment: KRT24: BP4, BP7